The following is an entry in ClinVar:

NM_003907.3(EIF2B5):c.843+1G>A

Gene: EIF2B5 (eukaryotic translation initiation factor 2B subunit epsilon; plus strand). Cytogenetic location: 3q27.1.
Variant type: single nucleotide variant.
Coding change: c.843+1G>A on transcript NM_003907.3 (MANE Select); the canonical splice donor site of the intron after coding-DNA position 843, G replaced by A.
Molecular consequence: splice donor variant.
Genome position (GRCh38, 1-based): chr3:184,140,158, G>A. VCF-style: chr3-184140158-G-A. GRCh37 (hg19) VCF-style: chr3-183857946-G-A.
Identifiers: ClinVar variation 1507882 (VCV001507882.8), dbSNP rs1254951931, ClinGen allele CA355383660.
Genomic context (GRCh38, chr3:184,140,158, plus strand): 5'-GACAACTTTGACTACCAAACTCGAGATGACTTTGTGCGAGGTCTCTTAGTGAATGAGGAG[G>A]TGAGAAAAGTCTTCCAATGCCTCTTTAGGAGAGAGGAGAAGGCTATGATTGTATCTCATG-3'

ClinVar aggregate classification (germline): Likely pathogenic (1 of 4 stars; one submission).

Submission:

Labcorp Genetics (formerly Invitae), Labcorp
Classification: Likely pathogenic. Last evaluated: 2021-05-19. Review status: criteria provided, single submitter. Criteria: Invitae Variant Classification Sherloc (09022015). Collection method: clinical testing. Allele origin: germline.
Comment: This sequence change affects a donor splice site in intron 6 of the EIF2B5 gene. It is expected to disrupt RNA splicing. Variants that disrupt the donor or acceptor splice site typically lead to a loss of protein function (PMID: 16199547), and loss-of-function variants in EIF2B5 are known to be pathogenic (PMID: 11704758, 15060152, 21307862). This variant is not present in population databases (ExAC no frequency). This variant has not been reported in the literature in individuals with EIF2B5-related conditions. Algorithms developed to predict the effect of sequence changes on RNA splicing suggest that this variant may disrupt the consensus splice site, but this prediction has not been confirmed by published transcriptional studies. In summary, the currently available evidence indicates that the variant is pathogenic, but additional data are needed to prove that conclusively. Therefore, this variant has been classified as Likely Pathogenic.

Literature cited by the submitters: PubMed 16199547; PubMed 11704758; PubMed 15060152; PubMed 21307862.